The following is an entry in ClinVar:

ClinVar aggregate classification (germline): Uncertain significance. Review status: criteria provided, multiple submitters, no conflicts (2 of 4 stars). 2 submissions from 2 submitters: Uncertain significance (2). Last evaluated 2025-05-30.

Conditions:
Hereditary cancer-predisposing syndrome. Also called: Neoplastic Syndromes, Hereditary; Tumor predisposition; Hereditary neoplastic syndrome; Hereditary Cancer Syndrome. Identifiers: Orphanet 140162, MedGen C0027672, MeSH D009386, MONDO:0015356.

gnomAD v4.1: 5 of 1,614,122 alleles (0.00031%); highest among the groups gnomAD compares: African/African-American, 0.0027%; no homozygotes.

Submissions (2):

Labcorp Genetics (formerly Invitae), Labcorp
Classification: Uncertain significance. Last evaluated: 2025-05-30. Review status: criteria provided, single submitter. Criteria: Invitae Variant Classification Sherloc (09022015). Collection method: clinical testing. Allele origin: germline.
Comment: This sequence change replaces asparagine, which is neutral and polar, with serine, which is neutral and polar, at codon 240 of the CTNNA1 protein (p.Asn240Ser). This variant is present in population databases (no rsID available, gnomAD 0.003%). This variant has not been reported in the literature in individuals affected with CTNNA1-related conditions. ClinVar contains an entry for this variant (Variation ID: 826899). Invitae Evidence Modeling of protein sequence and biophysical properties (such as structural, functional, and spatial information, amino acid conservation, physicochemical variation, residue mobility, and thermodynamic stability) indicates that this missense variant is not expected to disrupt CTNNA1 protein function with a negative predictive value of 80%. In summary, the available evidence is currently insufficient to determine the role of this variant in disease. Therefore, it has been classified as a Variant of Uncertain Significance.

Ambry Genetics
Classification: Uncertain significance for Hereditary cancer-predisposing syndrome. Last evaluated: 2023-12-14. Review status: criteria provided, single submitter. Criteria: Ambry Variant Classification Scheme 2023. Collection method: clinical testing. Allele origin: germline.
Comment: The p.N240S variant (also known as c.719A>G), located in coding exon 5 of the CTNNA1 gene, results from an A to G substitution at nucleotide position 719. The asparagine at codon 240 is replaced by serine, an amino acid with highly similar properties. This amino acid position is highly conserved in available vertebrate species. In addition, this alteration is predicted to be tolerated by in silico analysis. The evidence for this gene-disease relationship is limited; therefore, the clinical significance of this alteration is unclear.

NM_001903.5(CTNNA1):c.719A>G (p.Asn240Ser)

Gene: CTNNA1 (catenin alpha 1; plus strand). Cytogenetic location: 5q31.2.
Variant type: single nucleotide variant.
Coding change: c.719A>G on transcript NM_001903.5 (MANE Select); coding-DNA position 719, A replaced by G.
Protein change: p.Asn240Ser; replaces asparagine 240 with serine.
Molecular consequence: missense variant.
Genome position (GRCh38, 1-based): chr5:138,824,660, A>G. VCF-style: chr5-138824660-A-G. GRCh37 (hg19) VCF-style: chr5-138160349-A-G.
Other names: c.719A>G, p.Asn240Ser (NM_001290307.3, NM_001323982.2, NM_001323983.1 and 3 more transcripts); c.410A>G, p.Asn137Ser (NM_001290309.3); c.350A>G, p.Asn117Ser (NM_001290310.3); short protein forms N137S, N117S, N240S.
Identifiers: ClinVar variation 826899 (VCV000826899.12), dbSNP rs749980248, ClinGen allele CA361129835.